The following is an entry in ClinVar:

NM_012062.5(DNM1L):c.413A>G (p.Asn138Ser)

Gene: DNM1L (dynamin 1 like; plus strand). Cytogenetic location: 12p11.21.
Variant type: single nucleotide variant.
Coding change: c.413A>G on transcript NM_012062.5 (MANE Select); coding-DNA position 413, A replaced by G.
Protein change: p.Asn138Ser; replaces asparagine 138 with serine.
Molecular consequence: missense variant. On other transcripts: intron variant (1).
Genome position (GRCh38, 1-based): chr12:32,710,972, A>G. VCF-style: chr12-32710972-A-G. GRCh37 (hg19) VCF-style: chr12-32863906-A-G.
Other names: c.413A>G, p.Asn138Ser (NM_001278463.2, NM_005690.5, NM_012063.4); c.452A>G, p.Asn151Ser (NM_001278464.2, NM_001278465.2, NM_001330380.2); c.131+3559A>G (NM_001278466.2); short protein forms N151S, N138S.
Identifiers: ClinVar variation 1378049 (VCV001378049.9), dbSNP rs746168549, ClinGen allele CA6507335.

ClinVar aggregate classification (germline): Uncertain significance (1 of 4 stars; one submission).

gnomAD v4.1: 17 of 1,613,860 alleles (0.0011%); highest among the groups gnomAD compares: Middle Eastern, 0.082%; no homozygotes.

Submissions (2):

Labcorp Genetics (formerly Invitae), Labcorp
Classification: Uncertain significance. Last evaluated: 2024-05-01. Review status: criteria provided, single submitter. Criteria: Invitae Variant Classification Sherloc (09022015). Collection method: clinical testing. Allele origin: germline.
Comment: This sequence change replaces asparagine, which is neutral and polar, with serine, which is neutral and polar, at codon 138 of the DNM1L protein (p.Asn138Ser). This variant is present in population databases (rs746168549, gnomAD 0.04%). This variant has not been reported in the literature in individuals affected with DNM1L-related conditions. ClinVar contains an entry for this variant (Variation ID: 1378049). An algorithm developed to predict the effect of missense changes on protein structure and function (PolyPhen-2) suggests that this variant is likely to be tolerated. In summary, the available evidence is currently insufficient to determine the role of this variant in disease. Therefore, it has been classified as a Variant of Uncertain Significance.

Dr. Peter K. Rogan Lab, Western University
No classification provided (evidence only). Condition: Malignant tumor of urinary bladder. Review status: no classification provided. Collection method: in vitro. Allele origin: not applicable. Functional consequence: skipped exon. Not counted in ClinVar's aggregate classification.